The following is an entry in ClinVar:

NM_005228.5(EGFR):c.2138A>C (p.Lys713Thr)

Gene: EGFR (epidermal growth factor receptor; plus strand). Cytogenetic location: 7p11.2.
Variant type: single nucleotide variant.
Coding change: c.2138A>C on transcript NM_005228.5 (MANE Select); coding-DNA position 2138, A replaced by C.
Protein change: p.Lys713Thr; replaces lysine 713 with threonine.
Molecular consequence: missense variant.
Genome position (GRCh38, 1-based): chr7:55,173,997, A>C. VCF-style: chr7-55173997-A-C. GRCh37 (hg19) VCF-style: chr7-55241690-A-C.
Other names: c.2003A>C, p.Lys668Thr (NM_001346897.2, NM_001346899.2); c.2138A>C, p.Lys713Thr (NM_001346898.2); c.1979A>C, p.Lys660Thr (NM_001346900.2); c.1337A>C, p.Lys446Thr (NM_001346941.2); c.2138A>C (NM_005228.4); short protein forms K713T, K446T, K668T, K660T.
Identifiers: ClinVar variation 360466 (VCV000360466.11), dbSNP rs373578289, ClinGen allele CA4265981.

ClinVar aggregate classification (germline): Conflicting classifications of pathogenicity. Review status: criteria provided, conflicting classifications (1 of 4 stars). 4 submissions from 4 submitters: Uncertain significance (3); Likely benign (1). Last evaluated 2026-03-27.

Conditions:
EGFR-related lung cancer (EGFR). Identifiers: MedGen CN130014.
Lung cancer. Also called: Malignant tumor of lung; Lung cancer, somatic. Identifiers: MedGen C0242379, MONDO:0008903, OMIM 211980.
EGFR-related disorder. Also called: EGFR-related condition.
Hereditary cancer-predisposing syndrome. Also called: Hereditary neoplastic syndrome; Neoplastic Syndromes, Hereditary; Hereditary Cancer Syndrome; Tumor predisposition. Identifiers: Orphanet 140162, MedGen C0027672, MeSH D009386, MONDO:0015356.

Allele frequency attached by ClinVar (database versions not stated): ExAC 0.00002; gnomAD 0.00002; gnomAD exomes 0.00002; TOPMed 0.00002; ESP Exome Variant Server 0.00008.
gnomAD v4.1: 22 of 1,614,122 alleles (0.0014%); highest among the groups gnomAD compares: Non-Finnish European, 0.0019%; no homozygotes.

Submissions (4):

PreventionGenetics, part of Exact Sciences
Classification: Uncertain significance for EGFR-related condition. Last evaluated: 2026-03-27. Review status: criteria provided, single submitter. Criteria: ACMG Guidelines, 2015. Collection method: clinical testing. Allele origin: germline.
Comment: The EGFR c.2138A>C variant is predicted to result in the amino acid substitution p.Lys713Thr. To our knowledge, this variant has not been reported in the literature. This variant is reported in 0.0054% of alleles in individuals of European (Non-Finnish) descent in gnomAD and has conflicting interpretations ranging from uncertain significance to likely benign in ClinVar (Variation ID:360466). At this time, the clinical significance of this variant is uncertain due to the absence of conclusive functional and genetic evidence.

Labcorp Genetics (formerly Invitae), Labcorp
Classification: Uncertain significance for EGFR-related lung cancer. Last evaluated: 2026-01-27. Review status: criteria provided, single submitter. Criteria: Invitae Variant Classification Sherloc (09022015). Collection method: clinical testing. Allele origin: germline.
Comment: This sequence change replaces lysine, which is basic and polar, with threonine, which is neutral and polar, at codon 713 of the EGFR protein (p.Lys713Thr). This variant is present in population databases (rs373578289, gnomAD 0.005%). This variant has not been reported in the literature in individuals affected with EGFR-related conditions. ClinVar contains an entry for this variant (Variation ID: 360466). Invitae Evidence Modeling of protein sequence and biophysical properties (such as structural, functional, and spatial information, amino acid conservation, physicochemical variation, residue mobility, and thermodynamic stability) indicates that this missense variant is not expected to disrupt EGFR protein function with a negative predictive value of 80%. In summary, the available evidence is currently insufficient to determine the role of this variant in disease. Therefore, it has been classified as a Variant of Uncertain Significance.

Ambry Genetics
Classification: Uncertain significance for Hereditary cancer-predisposing syndrome. Last evaluated: 2024-12-30. Review status: criteria provided, single submitter. Criteria: Ambry Variant Classification Scheme 2023. Collection method: clinical testing. Allele origin: germline.
Comment: The p.K713T variant (also known as c.2138A>C), located in coding exon 18 of the EGFR gene, results from an A to C substitution at nucleotide position 2138. The lysine at codon 713 is replaced by threonine, an amino acid with similar properties. This amino acid position is highly conserved in available vertebrate species. In addition, the in silico prediction for this alteration is inconclusive. Based on the available evidence, the clinical significance of this variant remains unclear.

Myriad Genetics, Inc.
Classification: Likely benign for Lung cancer. Last evaluated: 2024-10-16. Review status: criteria provided, single submitter. Criteria: Myriad Autosomal Dominant, Autosomal Recessive and X-Linked Classification Criteria (2023). Collection method: clinical testing. Allele origin: unknown.
Comment: This variant is considered likely benign. This variant has been observed at a population frequency that is significantly greater than expected given the associated disease prevalence and penetrance.